The following is an entry in ClinVar:

NM_000112.4(SLC26A2):c.1081G>A (p.Ala361Thr)

Gene: SLC26A2 (solute carrier family 26 member 2; plus strand). Cytogenetic location: 5q32.
Variant type: single nucleotide variant.
Coding change: c.1081G>A on transcript NM_000112.4 (MANE Select); coding-DNA position 1081, G replaced by A.
Protein change: p.Ala361Thr; replaces alanine 361 with threonine.
Molecular consequence: missense variant.
Genome position (GRCh38, 1-based): chr5:149,980,674, G>A. VCF-style: chr5-149980674-G-A. GRCh37 (hg19) VCF-style: chr5-149360237-G-A.
Other names: short protein forms A361T.
Identifiers: ClinVar variation 290033 (VCV000290033.25), dbSNP rs139051143, ClinGen allele CA3505383.

ClinVar aggregate classification (germline): Conflicting classifications of pathogenicity. Review status: criteria provided, conflicting classifications (1 of 4 stars). 11 submissions from 7 submitters: Uncertain significance (9); Likely benign (1). 1 of the submissions does not count toward it. Last evaluated 2026-01-27.

Conditions:
Sulfate transporter-related osteochondrodysplasia. Also called: DTDST-related dysplasias. Identifiers: MedGen CN120497. Disease mechanism: loss of function.
Achondrogenesis, type IB (ACG1B). Also called: Achondrogenesis Type 1B. Identifiers: Orphanet 932, Orphanet 93298, MedGen C0265274, MONDO:0010966, OMIM 600972.
Atelosteogenesis type II (AO2). Also called: Neonatal osseous dysplasia 1; NEONATAL OSSEOUS DYSPLASIA I; SLC26A2-Related Atelosteogenesis. Identifiers: Orphanet 56304, MedGen C1850554, MONDO:0009727, OMIM 256050.
Multiple epiphyseal dysplasia type 4 (EDM4). Also called: Multiple Epiphyseal Dysplasia, Recessive; SLC26A2-Related Multiple Epiphyseal Dysplasia; MULTIPLE EPIPHYSEAL DYSPLASIA WITH BILAYERED PATELLAE; MULTIPLE EPIPHYSEAL DYSPLASIA WITH CLUBFOOT; MULTIPLE EPIPHYSEAL DYSPLASIA, AUTOSOMAL RECESSIVE. Identifiers: Orphanet 93307, MedGen C1847593, MONDO:0009189, OMIM 226900.
Diastrophic dysplasia (DTD). Also called: Diastrophic dwarfism. Identifiers: Orphanet 628, MedGen C0220726, MONDO:0009107, OMIM 222600.
Connective tissue disorder. Also called: Connective tissue disease. Identifiers: MedGen C0009782, MONDO:0003900.

Allele frequency attached by ClinVar (database versions not stated): 1000 Genomes Project 30x 0.00016; 1000 Genomes Project 0.00020; ExAC 0.00022; gnomAD 0.00023 and 0.00026; gnomAD exomes 0.00024; TOPMed 0.00024; ESP Exome Variant Server 0.00046.
gnomAD v4.1: 539 of 1,614,012 alleles (0.033%); highest among the groups gnomAD compares: Non-Finnish European, 0.043%; no homozygotes.

Submissions (11):

Labcorp Genetics (formerly Invitae), Labcorp
Classification: Likely benign for Atelosteogenesis type II; Multiple epiphyseal dysplasia type 4; Achondrogenesis, type IB; Diastrophic dysplasia. Last evaluated: 2026-01-27. Review status: criteria provided, single submitter. Criteria: Invitae Variant Classification Sherloc (09022015). Collection method: clinical testing. Allele origin: germline.

GeneDx
Classification: Uncertain significance. Last evaluated: 2024-10-23. Review status: criteria provided, single submitter. Criteria: GeneDx Variant Classification Process June 2021. Collection method: clinical testing. Allele origin: germline. Affected: yes.
Comment: In silico analysis indicates that this missense variant does not alter protein structure/function; Has not been previously published as pathogenic or benign to our knowledge

Blueprint Genetics
Classification: Uncertain significance. Last evaluated: 2024-10-11. Review status: criteria provided, single submitter. Criteria: ACMG Guidelines, 2015. Collection method: clinical testing. Allele origin: germline.

Genome Diagnostics Laboratory, The Hospital for Sick Children
Classification: Uncertain significance for Connective tissue disorder. Last evaluated: 2019-02-01. Review status: criteria provided, single submitter. Criteria: ACMG Guidelines, 2015. Collection method: clinical testing. Allele origin: germline.

Illumina Laboratory Services, Illumina
Classification: Uncertain significance for Atelosteogenesis type II. Last evaluated: 2018-01-13. Review status: criteria provided, single submitter. Criteria: ICSL Variant Classification Criteria 13 December 2019. Collection method: clinical testing. Allele origin: germline.

Illumina Laboratory Services, Illumina
Classification: Uncertain significance for Osteochondrodysplasia. Last evaluated: 2018-01-13. Review status: criteria provided, single submitter. Criteria: ICSL Variant Classification Criteria 13 December 2019. Collection method: clinical testing. Allele origin: germline.

Illumina Laboratory Services, Illumina
Classification: Uncertain significance for Achondrogenesis, type IB. Last evaluated: 2018-01-13. Review status: criteria provided, single submitter. Criteria: ICSL Variant Classification Criteria 13 December 2019. Collection method: clinical testing. Allele origin: germline.

Illumina Laboratory Services, Illumina
Classification: Uncertain significance for Diastrophic dysplasia. Last evaluated: 2018-01-13. Review status: criteria provided, single submitter. Criteria: ICSL Variant Classification Criteria 13 December 2019. Collection method: clinical testing. Allele origin: germline.

Illumina Laboratory Services, Illumina
Classification: Uncertain significance for Multiple epiphyseal dysplasia type 4. Last evaluated: 2018-01-13. Review status: criteria provided, single submitter. Criteria: ICSL Variant Classification Criteria 13 December 2019. Collection method: clinical testing. Allele origin: germline.

Eurofins Ntd Llc (ga)
Classification: Uncertain significance. Last evaluated: 2016-08-05. Review status: criteria provided, single submitter. Criteria: EGL Classification Definitions 2015. Collection method: clinical testing. Allele origin: germline. Observed: 1 variant allele, 1 heterozygote.

Natera, Inc.
Classification: Uncertain significance for Achondrogenesis type IB. Last evaluated: 2020-01-17. Review status: no assertion criteria provided. Collection method: clinical testing. Allele origin: germline. Not counted in ClinVar's aggregate classification.